The following is an entry in ClinVar:

ClinVar aggregate classification (germline): Uncertain significance. Review status: criteria provided, multiple submitters, no conflicts (2 of 4 stars). 2 submissions from 2 submitters: Uncertain significance (2). Last evaluated 2025-04-22.

Conditions:
Pancreatic adenocarcinoma. Identifiers: MedGen C0281361, MONDO:0006047, HP:0006725.

Submissions (2):

Ambry Genetics
Classification: Uncertain significance. Last evaluated: 2025-04-22. Review status: criteria provided, single submitter. Criteria: Ambry Variant Classification Scheme 2023. Collection method: clinical testing. Allele origin: germline.
Comment: The c.457_459delCCG variant (also known as p.P153del) is located in coding exon 1 of the PALLD gene. This variant results from an in-frame CCG deletion at nucleotide positions 457 to 459. This results in the in-frame deletion of a proline at codon 153. This amino acid position is well conserved in available vertebrate species. In addition, the in silico prediction for this alteration is inconclusive (Choi Y et al. PLoS ONE. 2012; 7(10):e46688). The evidence for this gene-disease relationship is limited; therefore, the clinical significance of this alteration is unclear.

Labcorp Genetics (formerly Invitae), Labcorp
Classification: Uncertain significance for Pancreatic adenocarcinoma. Last evaluated: 2024-09-11. Review status: criteria provided, single submitter. Criteria: Invitae Variant Classification Sherloc (09022015). Collection method: clinical testing. Allele origin: germline.
Comment: This variant, c.457_459del, results in the deletion of 1 amino acid(s) of the PALLD protein (p.Pro153del), but otherwise preserves the integrity of the reading frame. This variant is present in population databases (no rsID available, gnomAD 0.007%). This variant has not been reported in the literature in individuals affected with PALLD-related conditions. ClinVar contains an entry for this variant (Variation ID: 955615). Experimental studies and prediction algorithms are not available or were not evaluated, and the functional significance of this variant is currently unknown. In summary, the available evidence is currently insufficient to determine the role of this variant in disease. Therefore, it has been classified as a Variant of Uncertain Significance.

NM_001166108.2(PALLD):c.1965-12581GCC[2]

Gene: PALLD (palladin, cytoskeletal associated protein; plus strand). Cytogenetic location: 4q32.3.
Variant type: Microsatellite.
Coding change: c.1965-12581GCC[2] on transcript NM_001166108.2 (MANE Select); two copies in a row of the 3-base unit GCC starting at c.1965-12581.
Molecular consequence: intron variant. On other transcripts: inframe deletion (1).
Genome position: GRCh38 VCF-style: chr4-168878340-AGCC-A. GRCh37 (hg19) VCF-style: chr4-169799491-AGCC-A.
Other names: c.457_459delCCG (NM_001166110.1); c.451CCG[2], p.Pro153del (NM_001166110.2); c.1965-12581GCC[2] (NM_016081.4); c.819-12581GCC[2] (NM_001166109.2); c.-157-12581GCC[2] (NM_001367570.1, NM_001367568.1, NM_001367567.1 and 1 more transcripts); short protein forms P153del.
Identifiers: ClinVar variation 955615 (VCV000955615.10), dbSNP rs1291430290, ClinGen allele CA556167438.
Genomic context (GRCh38, chr4:168,878,340, plus strand): 5'-CCACCCGCTTCGGCCACAGCCAGACGCCCGCGGCCTTCCTCAGCGCTCTGCTGCCCTCGC[AGCC>A]GCCGCCGGCGGCCGTCAACGCCCTGGGGCTGCCCAAGGGTGTCACCCCCGCGTGAGTAAC-3'